The following is an entry in ClinVar:

NM_000222.3(KIT):c.878A>G (p.Asn293Ser)

Gene: KIT (KIT proto-oncogene, receptor tyrosine kinase; plus strand). Cytogenetic location: 4q12.
Variant type: single nucleotide variant.
Coding change: c.878A>G on transcript NM_000222.3 (MANE Select); coding-DNA position 878, A replaced by G.
Protein change: p.Asn293Ser; replaces asparagine 293 with serine.
Molecular consequence: missense variant.
Genome position (GRCh38, 1-based): chr4:54,703,845, A>G. VCF-style: chr4-54703845-A-G. GRCh37 (hg19) VCF-style: chr4-55570011-A-G.
Other names: c.878A>G, p.Asn293Ser (NM_001093772.2, NM_001385285.1, NM_001385286.1); c.881A>G, p.Asn294Ser (NM_001385284.1, NM_001385288.1, NM_001385290.1 and 1 more transcripts); short protein forms N293S, N294S.
Identifiers: ClinVar variation 237285 (VCV000237285.29), dbSNP rs137909416, ClinGen allele CA2923332.

ClinVar aggregate classification (germline): Conflicting classifications of pathogenicity. Review status: criteria provided, conflicting classifications (1 of 4 stars). 11 submissions from 9 submitters: Uncertain significance (3); Benign (2); Likely benign (4). 2 of the submissions do not count toward it. Last evaluated 2026-07-01.

Conditions:
KIT-related disorder. Also called: KIT-related condition.
Hereditary cancer-predisposing syndrome. Also called: Hereditary neoplastic syndrome; Hereditary Cancer Syndrome; Neoplastic Syndromes, Hereditary; Tumor predisposition. Identifiers: Orphanet 140162, MedGen C0027672, MeSH D009386, MONDO:0015356.
Mastocytosis. Also called: Mast Cell Disease. Identifiers: Orphanet 98292, MedGen C0024899, MONDO:0007950, HP:0100495.
Gastrointestinal stromal tumor. Also called: Gastrointestinal stroma tumor; Gastrointestinal stromal tumor, somatic. Identifiers: Orphanet 44890, MedGen C0238198, MeSH D046152, MONDO:0011719, OMIM 606764, HP:0100723.
Piebaldism. Also called: Piebald skin depigmentation. Identifiers: Orphanet 2884, MedGen C0080024, MONDO:0008244, OMIM 172800, HP:0007544.

Allele frequency attached by ClinVar (database versions not stated): gnomAD exomes 0.00009 and 0.00014; ExAC 0.00016; gnomAD 0.00032 and 0.00034; ESP Exome Variant Server 0.00046; TOPMed 0.00047.
gnomAD v4.1: 186 of 1,613,868 alleles (0.012%); highest among the groups gnomAD compares: African/African-American, 0.11%; no homozygotes.

Submissions (11):

CeGaT Center for Human Genetics Tuebingen
Classification: Likely benign. Last evaluated: 2026-07-01. Review status: criteria provided, single submitter. Criteria: CeGaT Center For Human Genetics Tuebingen Variant Classification Criteria Version 2. Collection method: clinical testing. Allele origin: germline. Affected: yes. Observed: 1 variant allele.
Comment: KIT: BP4

Myriad Genetics, Inc.
Classification: Likely benign for Gastrointestinal stromal tumor. Last evaluated: 2026-05-26. Review status: criteria provided, single submitter. Criteria: Myriad Autosomal Dominant, Autosomal Recessive and X-Linked Classification Criteria (2023). Collection method: clinical testing. Allele origin: unknown.
Comment: This variant is considered likely benign. This variant has been observed at a population frequency that is significantly greater than expected given the associated disease prevalence and penetrance.

Labcorp Genetics (formerly Invitae), Labcorp
Classification: Likely benign for Gastrointestinal stromal tumor. Last evaluated: 2026-01-30. Review status: criteria provided, single submitter. Criteria: Invitae Variant Classification Sherloc (09022015). Collection method: clinical testing. Allele origin: germline.

Ambry Genetics
Classification: Benign for Hereditary cancer-predisposing syndrome. Last evaluated: 2024-08-20. Review status: criteria provided, single submitter. Criteria: Ambry Variant Classification Scheme 2023. Collection method: clinical testing. Allele origin: germline.

KCCC/NGS Laboratory, Kuwait Cancer Control Center
Classification: Likely benign for Gastrointestinal stromal tumor. Last evaluated: 2023-07-07. Review status: criteria provided, single submitter. Criteria: ACMG Guidelines, 2015. Collection method: clinical testing. Allele origin: germline. Affected: yes.

Sema4
Classification: Uncertain significance for Hereditary cancer-predisposing syndrome. Last evaluated: 2021-05-21. Review status: criteria provided, single submitter. Criteria: Sema4 Curation Guidelines. Collection method: curation. Allele origin: germline.
Comment: To the best of our knowledge, the KIT c.878A>G (p.N293S) variant has not been reported in individuals with KIT-related disease. It was observed in 34/24966 chromosomes of the African/African American subpopulation, with no homozygotes, in the Genome Aggregation Database (PMID: 32461654). The variant has been reported in ClinVar (Variation ID 237285). In silico tools suggest the impact of the variant on protein function is inconclusive though these predictions have not been confirmed by functional studies. The evidence is insufficient to meet ACMG/AMP criteria for classifying the variant as benign or pathogenic. Thus, the clinical significance of this variant is currently uncertain.

Illumina Laboratory Services, Illumina
Classification: Uncertain significance for Piebaldism. Last evaluated: 2017-04-27. Review status: criteria provided, single submitter. Criteria: ICSL Variant Classification Criteria 13 December 2019. Collection method: clinical testing. Allele origin: germline.

Illumina Laboratory Services, Illumina
Classification: Benign for Cutaneous mastocytosis. Last evaluated: 2017-04-27. Review status: criteria provided, single submitter. Criteria: ICSL Variant Classification Criteria 13 December 2019. Collection method: clinical testing. Allele origin: germline.
Comment: This variant was observed as part of a predisposition screen in an ostensibly healthy population. A literature search was performed for the gene, cDNA change, and amino acid change (where applicable). No publications were found based on this search. Allele frequency data from public databases was too high to be consistent with this variant causing disease. Therefore, this variant is classified as benign.

Illumina Laboratory Services, Illumina
Classification: Uncertain significance for Gastrointestinal stromal tumor. Last evaluated: 2017-04-27. Review status: criteria provided, single submitter. Criteria: ICSL Variant Classification Criteria 13 December 2019. Collection method: clinical testing. Allele origin: germline.

PreventionGenetics, part of Exact Sciences
Classification: Likely benign for KIT-related condition. Last evaluated: 2022-04-10. Review status: no assertion criteria provided. Collection method: clinical testing. Allele origin: germline. Not counted in ClinVar's aggregate classification.
Comment: This variant is classified as likely benign based on ACMG/AMP sequence variant interpretation guidelines (Richards et al. 2015 PMID: 25741868, with internal and published modifications).

Department of Pathology and Laboratory Medicine, Sinai Health System
Classification: Uncertain significance. Review status: no assertion criteria provided. Collection method: clinical testing. Allele origin: unknown. Affected: yes. Study: The Canadian Open Genetics Repository (COGR). Not counted in ClinVar's aggregate classification.
Comment: The KIT p.Asn293Ser variant was not identified in the literature nor was it identified in LOVD 3.0. The variant was identified in dbSNP (ID: rs137909416), ClinVar (classified as likely benign by Invitae for gastrointestinal stroma tumor) and in Cosmic (FATHMM predicted pathogenic; score=0.82). The variant was also identified in control databases in 49 of 282762 chromosomes at a frequency of 0.000173 (Genome Aggregation Database Feb 27, 2017). The variant was observed in the following populations: African in 34 of 24966 chromosomes (freq: 0.001362), Latino in 5 of 35440 chromosomes (freq: 0.000141), South Asian in 3 of 30608 chromosomes (freq: 0.000098) and European (non-Finnish) in 7 of 129090 chromosomes (freq: 0.000054), while the variant was not observed in the Ashkenazi Jewish, East Asian, European (Finnish) and Other populations. The variant occurs outside of the splicing consensus sequence however 2 of 4 in silico or computational prediction software programs (SpliceSiteFinder, MaxEntScan) predict a greater than 10% difference in splicing; this is not very predictive of pathogenicity. The p.Asn293 residue is conserved in mammals but not in more distantly related organisms and four out of five computational analyses (PolyPhen-2, SIFT, AlignGVGD, BLOSUM) do not suggest a high likelihood of impact to the protein; this information is not predictive enough to rule out pathogenicity. In summary, based on the above information the clinical significance of this variant cannot be determined with certainty at this time. This variant is classified as a variant of uncertain significance.